The following is an entry in ClinVar:

NM_032043.3(BRIP1):c.46T>C (p.Tyr16His)

Gene: BRIP1 (BRCA1 interacting DNA helicase 1; minus strand). Cytogenetic location: 17q23.2.
Variant type: single nucleotide variant.
Coding change: c.46T>C on transcript NM_032043.3 (MANE Select); coding-DNA position 46, T replaced by C.
Protein change: p.Tyr16His; replaces tyrosine 16 with histidine.
Molecular consequence: missense variant.
Genome position (GRCh38, 1-based): chr17:61,861,494, A>G on the plus strand (T>C on the coding strand, the complement: BRIP1 is on the minus strand). VCF-style: chr17-61861494-A-G. GRCh37 (hg19) VCF-style: chr17-59938855-A-G.
Other names: short protein forms Y16H.
Identifiers: ClinVar variation 925074 (VCV000925074.5), dbSNP rs2078972580, ClinGen allele CA400486002.

ClinVar aggregate classification (germline): Uncertain significance (1 of 4 stars; one submission).

Conditions:
Hereditary cancer-predisposing syndrome. Also called: Neoplastic Syndromes, Hereditary; Tumor predisposition; Hereditary Cancer Syndrome; Hereditary neoplastic syndrome. Identifiers: Orphanet 140162, MedGen C0027672, MeSH D009386, MONDO:0015356.

Submission:

Color Diagnostics, LLC DBA Color Health
Classification: Uncertain significance for Hereditary cancer-predisposing syndrome. Last evaluated: 2023-12-05. Review status: criteria provided, single submitter. Criteria: ACMG Guidelines, 2015. Collection method: clinical testing. Allele origin: germline.
Comment: This missense variant replaces tyrosine with histidine at codon 16 of the BRIP1 protein. Computational prediction tools and conservation analyses are inconclusive regarding the impact of this variant on protein structure and function. Splice site prediction tools suggest that this variant may not impact RNA splicing. To our knowledge, functional studies have not been performed for this variant. This variant has not been reported in individuals affected with hereditary cancer in the literature. This variant has not been identified in the general population by the Genome Aggregation Database (gnomAD). The available evidence is insufficient to determine the role of this variant in disease conclusively. Therefore, this variant is classified as a Variant of Uncertain Significance.